The following is an entry in ClinVar:

NM_173660.5(DOK7):c.1264del (p.Ser422fs)

Gene: DOK7 (docking protein 7; plus strand). Cytogenetic location: 4p16.3.
Variant type: Deletion.
Coding change: c.1264del on transcript NM_173660.5 (MANE Select); coding-DNA position 1264, one base deleted (T; older notation c.1264delT).
Protein change: p.Ser422fs; shifts the reading frame from serine 422.
Molecular consequence: frameshift variant. On other transcripts: 3 prime UTR variant (1).
Genome position (GRCh38, 1-based): chr4:3,493,250, T deleted. VCF-style (leftmost placement, unchanged base first): chr4-3493249-CT-C. GRCh37 (hg19) VCF-style: chr4-3494976-CT-C.
Other names: c.1264del, p.Ser422fs (NM_001301071.2); c.832del, p.Ser278fs (NM_001363811.2); c.*485del (NM_001164673.2); c.334del, p.Ser112fs (NM_001256896.2); short protein forms S112fs, S422fs, S278fs.
Identifiers: ClinVar variation 645324 (VCV000645324.9), dbSNP rs1258346283, ClinGen allele CA549706291.
Genomic context (GRCh38, chr4:3,493,249, plus strand): 5'-GCGGGCCCACTATGACACACCACGCAGCCTTTGCCTGGCTCCTAGAGACCACAGCCCCCC[CT>C]CACAGGGCAGCCCCGGCAACAGTGCGGCCAGGGACTCAGGCGGCCAGACGTCCGCCGGGT-3'

ClinVar aggregate classification (germline): Pathogenic (1 of 4 stars; one submission).

Conditions:
Fetal akinesia deformation sequence 1 (FADS1). Also called: Pena-Shokeir syndrome type I; Fetal akinesia sequence. Identifiers: Orphanet 994, MedGen C1276035, MONDO:0100101, OMIM 208150, HP:0001989.
Congenital myasthenic syndrome 10. Also called: Myasthenia, limb-girdle, familial. Identifiers: Orphanet 590, MedGen C1850792, MONDO:0009690, OMIM 254300.

Allele frequency attached by ClinVar (database versions not stated): gnomAD exomes below 0.00001; TOPMed 0.00001.

Submission:

Labcorp Genetics (formerly Invitae), Labcorp
Classification: Pathogenic for Congenital myasthenic syndrome 10; Fetal akinesia deformation sequence 1. Last evaluated: 2024-12-05. Review status: criteria provided, single submitter. Criteria: Invitae Variant Classification Sherloc (09022015). Collection method: clinical testing. Allele origin: germline.
Comment: This sequence change creates a premature translational stop signal (p.Ser422Hisfs*34) in the DOK7 gene. While this is not anticipated to result in nonsense mediated decay, it is expected to disrupt the last 83 amino acid(s) of the DOK7 protein. This variant is present in population databases (no rsID available, gnomAD 0.007%). This variant has not been reported in the literature in individuals affected with DOK7-related conditions. ClinVar contains an entry for this variant (Variation ID: 645324). This variant disrupts a region of the DOK7 protein in which other variant(s) (p.Pro486Argfs*15) have been determined to be pathogenic (PMID: 29118959). This suggests that this is a clinically significant region of the protein, and that variants that disrupt it are likely to be disease-causing. For these reasons, this variant has been classified as Pathogenic.

Literature cited by the submitters: PubMed 29118959.